The following is an entry in ClinVar:

NM_053025.4(MYLK):c.1007C>T (p.Pro336Leu)

Gene: MYLK (myosin light chain kinase; minus strand). Cytogenetic location: 3q21.1.
Variant type: single nucleotide variant.
Coding change: c.1007C>T on transcript NM_053025.4 (MANE Select); coding-DNA position 1007, C replaced by T.
Protein change: p.Pro336Leu; replaces proline 336 with leucine.
Molecular consequence: missense variant.
Genome position (GRCh38, 1-based): chr3:123,733,989, G>A on the plus strand (C>T on the coding strand, the complement: MYLK is on the minus strand). VCF-style: chr3-123733989-G-A. GRCh37 (hg19) VCF-style: chr3-123452836-G-A.
Other names: c.479C>T, p.Pro160Leu (NM_001321309.2); c.1007C>T, p.Pro336Leu (NM_053026.4, NM_053027.4, NM_053028.4); short protein forms P336L, P160L.
Identifiers: ClinVar variation 193752 (VCV000193752.64), dbSNP rs35912339, ClinGen allele CA024817.

ClinVar aggregate classification (germline): Benign/Likely benign. Review status: criteria provided, multiple submitters, no conflicts (2 of 4 stars). 17 submissions from 17 submitters: Benign (5); Likely benign (8). 4 of the submissions do not count toward it. Last evaluated 2026-09-01.

Conditions:
Connective tissue disorder. Also called: Connective tissue disease. Identifiers: MedGen C0009782, MONDO:0003900.
Aortic aneurysm, familial thoracic 7 (AAT7). Also called: AORTIC DISSECTION, FAMILIAL, WITH OR WITHOUT AORTIC ANEURYSM. Identifiers: MedGen C3151077, MONDO:0013418, OMIM 613780.
Familial thoracic aortic aneurysm and aortic dissection (TAAD). Also called: Thoracic aortic aneurysms and dissections. Identifiers: Orphanet 91387, MedGen C4707243, MONDO:0019625.

Allele frequency attached by ClinVar (database versions not stated): gnomAD 0.00106 and 0.00117; ESP Exome Variant Server 0.00108; TOPMed 0.00131; 1000 Genomes Project 0.00140; 1000 Genomes Project 30x 0.00141; gnomAD exomes 0.00162 and 0.00212; ExAC 0.00167.
gnomAD v4.1: 3,235 of 1,614,150 alleles (0.2%); highest among the groups gnomAD compares: South Asian, 0.36%; 13 homozygotes.

Submissions (17):

CeGaT Center for Human Genetics Tuebingen
Classification: Likely benign. Last evaluated: 2026-09-01. Review status: criteria provided, single submitter. Criteria: CeGaT Center For Human Genetics Tuebingen Variant Classification Criteria Version 2. Collection method: clinical testing. Allele origin: germline. Affected: yes. Observed: 8 variant alleles.
Comment: MYLK: BP4, BS2

Labcorp Genetics (formerly Invitae), Labcorp
Classification: Benign for Aortic aneurysm, familial thoracic 7. Last evaluated: 2026-02-01. Review status: criteria provided, single submitter. Criteria: Invitae Variant Classification Sherloc (09022015). Collection method: clinical testing. Allele origin: germline.

ARUP Laboratories, Molecular Genetics and Genomics, ARUP Laboratories
Classification: Likely benign. Last evaluated: 2025-06-11. Review status: criteria provided, single submitter. Criteria: ARUP Molecular Germline Variant Investigation Process 2024. Collection method: clinical testing. Allele origin: germline.

Molecular Diagnostic Laboratory for Inherited Cardiovascular Disease, Montreal Heart Institute
Classification: Likely benign. Last evaluated: 2025-04-09. Review status: criteria provided, single submitter. Criteria: ACMG Guidelines, 2015. Collection method: clinical testing. Allele origin: germline. Affected: no.
Comment: BS1;BP4;BP6

Mayo Clinic Laboratories, Mayo Clinic
Classification: Benign. Last evaluated: 2025-03-17. Review status: criteria provided, single submitter. Criteria: ACMG Guidelines, 2015. Collection method: clinical testing. Allele origin: germline. Observed: 8 variant alleles.
Comment: BS1, BS2, BP4_moderate

Blueprint Genetics
Classification: Likely benign. Last evaluated: 2024-11-07. Review status: criteria provided, single submitter. Criteria: ACMG Guidelines, 2015. Collection method: clinical testing. Allele origin: germline.

CHEO Genetics Diagnostic Laboratory, Children's Hospital of Eastern Ontario
Classification: Benign for Familial thoracic aortic aneurysm and aortic dissection. Last evaluated: 2023-04-04. Review status: criteria provided, single submitter. Criteria: ACMG Guidelines, 2015. Collection method: clinical testing. Allele origin: germline. Study: Canadian Open Genetics Repository.

GeneDx
Classification: Likely benign. Last evaluated: 2022-05-23. Review status: criteria provided, single submitter. Criteria: GeneDx Variant Classification Process June 2021. Collection method: clinical testing. Allele origin: germline. Affected: yes.
Comment: See Variant Classification Assertion Criteria.

Women's Health and Genetics/Laboratory Corporation of America, LabCorp
Classification: Benign. Last evaluated: 2020-02-03. Review status: criteria provided, single submitter. Criteria: LabCorp Variant Classification Summary - May 2015. Collection method: clinical testing. Allele origin: germline.
Comment: Variant summary: MYLK c.1007C>T (p.Pro336Leu) results in a non-conservative amino acid change in the encoded protein sequence. Three of five in-silico tools predict a benign effect of the variant on protein function. The variant allele was found at a frequency of 0.0016 in 248810 control chromosomes, including 1 homozygote (gnomAD). The variant was predominantly observed within the South Asian subpopulation (at a frequency of 0.0039), and the European (non-Finnish) subpopulation (at a frequency of 0.0021) in the gnomAD database. These frequencies are approximately 150-fold and 85-fold higher (respectively) than the estimated maximal expected allele frequency for a pathogenic variant in MYLK causing Aortopathy phenotype (2.5e-05), strongly suggesting that the variant is benign. To our knowledge, no occurrence of c.1007C>T in individuals affected with Aortopathy and no experimental evidence demonstrating its impact on protein function have been reported. Seven clinical diagnostic laboratories have submitted clinical-significance assessments for this variant to ClinVar after 2014 without evidence for independent evaluation. All laboratories classified the variant as benign (2x) / likely benign (5x). Based on the evidence outlined above, the variant was classified as benign.

Ambry Genetics
Classification: Likely benign for Familial thoracic aortic aneurysm and aortic dissection. Last evaluated: 2019-03-22. Review status: criteria provided, single submitter. Criteria: Ambry Variant Classification Scheme 2023. Collection method: clinical testing. Allele origin: germline.

Center for Human Genetics, Inc
Classification: Likely benign for Connective tissue disorder. Last evaluated: 2018-06-01. Review status: criteria provided, single submitter. Criteria: ACMG Guidelines, 2015. Collection method: clinical testing. Allele origin: germline. Affected: yes.

Illumina Laboratory Services, Illumina
Classification: Likely benign for Aortic aneurysm, familial thoracic 7. Last evaluated: 2018-01-13. Review status: criteria provided, single submitter. Criteria: ICSL Variant Classification Criteria 13 December 2019. Collection method: clinical testing. Allele origin: germline.
Comment: This variant was observed in the ICSL laboratory as part of a predisposition screen in an ostensibly healthy population. It had not been previously curated by ICSL or reported in the Human Gene Mutation Database (HGMD: prior to June 1st, 2018), and was therefore a candidate for classification through an automated scoring system. Utilizing variant allele frequency, disease prevalence and penetrance estimates, and inheritance mode, an automated score was calculated to assess if this variant is too frequent to cause the disease. Based on the score and internal cut-off values, a variant classified as likely benign is not then subjected to further curation. The score for this variant resulted in a classification of likely benign for this disease.

Eurofins Ntd Llc (ga)
Classification: Benign. Last evaluated: 2015-05-21. Review status: criteria provided, single submitter. Criteria: EGL Classification Definitions 2015. Collection method: clinical testing. Allele origin: germline. Observed: 1 variant allele, 1 heterozygote.

Clinical Genetics DNA and cytogenetics Diagnostics Lab, Erasmus MC, Erasmus Medical Center
Classification: Likely benign. Review status: no assertion criteria provided. Collection method: clinical testing. Allele origin: germline. Affected: yes. Study: VKGL Data-share Consensus. Not counted in ClinVar's aggregate classification.

Genome Diagnostics Laboratory, Amsterdam University Medical Center
Classification: Likely benign. Review status: no assertion criteria provided. Collection method: clinical testing. Allele origin: germline. Affected: yes. Study: VKGL Data-share Consensus. Not counted in ClinVar's aggregate classification.

Genome Diagnostics Laboratory, University Medical Center Utrecht
Classification: Likely benign. Review status: no assertion criteria provided. Collection method: clinical testing. Allele origin: germline. Affected: yes. Study: VKGL Data-share Consensus. Not counted in ClinVar's aggregate classification.

Laboratory of Diagnostic Genome Analysis, Leiden University Medical Center (LUMC)
Classification: Likely benign. Review status: no assertion criteria provided. Collection method: clinical testing. Allele origin: germline. Affected: yes. Study: VKGL Data-share Consensus. Not counted in ClinVar's aggregate classification.